The following is an entry in ClinVar:

ClinVar aggregate classification (germline): Uncertain significance (1 of 4 stars; one submission).

Conditions:
Early-infantile DEE. Also called: Ohtahara syndrome; Early infantile epileptic encephalopathy; Early infantile epileptic encephalopathy with suppression bursts. Identifiers: Orphanet 1934, MedGen C0393706, MONDO:0800491.

Allele frequency attached by ClinVar (database versions not stated): gnomAD exomes below 0.00001.
gnomAD v4.1: 1 of 1,613,136 alleles (0.000062%); highest among the groups gnomAD compares: Admixed American, 0.0017%; no homozygotes.

Submission:

Labcorp Genetics (formerly Invitae), Labcorp
Classification: Uncertain significance for Early-infantile DEE. Last evaluated: 2024-04-05. Review status: criteria provided, single submitter. Criteria: Invitae Variant Classification Sherloc (09022015). Collection method: clinical testing. Allele origin: germline.
Comment: This sequence change affects codon 551 of the SPTAN1 mRNA. It is a 'silent' change, meaning that it does not change the encoded amino acid sequence of the SPTAN1 protein. It affects a nucleotide within the consensus splice site. This variant is present in population databases (no rsID available, gnomAD 0.003%). This variant has not been reported in the literature in individuals affected with SPTAN1-related conditions. Algorithms developed to predict the effect of sequence changes on RNA splicing suggest that this variant is not likely to affect RNA splicing. In summary, the available evidence is currently insufficient to determine the role of this variant in disease. Therefore, it has been classified as a Variant of Uncertain Significance.

NM_001130438.3(SPTAN1):c.1651C>T (p.Leu551=)

Gene: SPTAN1 (spectrin alpha, non-erythrocytic 1; plus strand). Cytogenetic location: 9q34.11.
Variant type: single nucleotide variant.
Coding change: c.1651C>T on transcript NM_001130438.3 (MANE Select); coding-DNA position 1651, C replaced by T.
Protein change: p.Leu551=; no amino-acid change (leucine 551 retained).
Molecular consequence: synonymous variant.
Genome position (GRCh38, 1-based): chr9:128,582,694, C>T. VCF-style: chr9-128582694-C-T. GRCh37 (hg19) VCF-style: chr9-131344973-C-T.
Other names: c.1651C>T, p.Leu551= (NM_001195532.2, NM_001363759.2, NM_001363765.2 and 5 more transcripts); c.1687C>T, p.Leu563= (NM_001375312.2, NM_001375318.1).
Identifiers: ClinVar variation 2778138 (VCV002778138.3), dbSNP rs1177980374, ClinGen allele CA467484422.